The following is an entry in ClinVar:

ClinVar aggregate classification (germline): Uncertain significance. Review status: criteria provided, multiple submitters, no conflicts (2 of 4 stars). 2 submissions from 2 submitters: Uncertain significance (2). Last evaluated 2026-05-13.

Conditions:
Inborn genetic diseases. Identifiers: MedGen C0950123, MeSH D030342.
Lafora disease. Also called: Epilepsy progressive myoclonic 2; Progressive Myoclonus Epilepsy, Lafora Type. Identifiers: Orphanet 501, MedGen C0751783, MONDO:0009697.

Allele frequency attached by ClinVar (database versions not stated): gnomAD exomes 0.00003.

Submissions (2):

Ambry Genetics
Classification: Uncertain significance for Inborn genetic diseases. Last evaluated: 2026-05-13. Review status: criteria provided, single submitter. Criteria: Ambry Variant Classification Scheme 2023. Collection method: clinical testing. Allele origin: germline.

Labcorp Genetics (formerly Invitae), Labcorp
Classification: Uncertain significance for Lafora disease. Last evaluated: 2024-09-11. Review status: criteria provided, single submitter. Criteria: Invitae Variant Classification Sherloc (09022015). Collection method: clinical testing. Allele origin: germline.
Comment: This sequence change replaces glutamic acid, which is acidic and polar, with glycine, which is neutral and non-polar, at codon 235 of the NHLRC1 protein (p.Glu235Gly). This variant is not present in population databases (gnomAD no frequency). This variant has not been reported in the literature in individuals affected with NHLRC1-related conditions. ClinVar contains an entry for this variant (Variation ID: 941311). An algorithm developed to predict the effect of missense changes on protein structure and function outputs the following: PolyPhen-2: "Benign". The glycine amino acid residue is found in multiple mammalian species, which suggests that this missense change does not adversely affect protein function. In summary, the available evidence is currently insufficient to determine the role of this variant in disease. Therefore, it has been classified as a Variant of Uncertain Significance.

NM_198586.3(NHLRC1):c.704A>G (p.Glu235Gly)

Gene: NHLRC1 (NHL repeat containing E3 ubiquitin protein ligase 1; minus strand). Cytogenetic location: 6p22.3.
Variant type: single nucleotide variant.
Coding change: c.704A>G on transcript NM_198586.3 (MANE Select); coding-DNA position 704, A replaced by G.
Protein change: p.Glu235Gly; replaces glutamic acid 235 with glycine.
Molecular consequence: missense variant.
Genome position (GRCh38, 1-based): chr6:18,121,903, T>C on the plus strand (A>G on the coding strand, the complement: NHLRC1 is on the minus strand). VCF-style: chr6-18121903-T-C. GRCh37 (hg19) VCF-style: chr6-18122134-T-C.
Other names: short protein forms E235G.
Identifiers: ClinVar variation 941311 (VCV000941311.10), dbSNP rs1173727000, ClinGen allele CA362826446.
Genomic context (GRCh38, chr6:18,121,903, plus strand): 5'-TCAGTTCTCCGAAGGACCCCTTCCGCGAAGTCGACGTCCAGGAGGTGCAGGGACCCTGCC[T>C]CCGCATCAGTTACCACAATCCCATTCTGAGGGGTGGTCTCCACACCCCAAGGTAAGGAGA-3'
Protein context (NP_940988.2, residues 225-245): PQNGIVVTDA[Glu235Gly]AGSLHLLDVD